The following is an entry in ClinVar:

NM_005732.4(RAD50):c.3578C>A (p.Thr1193Lys)

Genes: TH2LCRR (T helper type 2 locus control region associated RNA; minus strand), TH2-LCR (Th2 cytokine locus control region; plus strand), RAD50 (RAD50 double strand break repair protein; plus strand). Cytogenetic location: 5q31.1.
Variant type: single nucleotide variant.
Coding change: c.3578C>A on transcript NM_005732.4 (MANE Select); coding-DNA position 3578, C replaced by A.
Protein change: p.Thr1193Lys; replaces threonine 1193 with lysine.
Molecular consequence: missense variant. On other transcripts: non-coding transcript variant (3).
Genome position (GRCh38, 1-based): chr5:132,638,183, C>A. VCF-style: chr5-132638183-C-A. GRCh37 (hg19) VCF-style: chr5-131973875-C-A.
Other names: short protein forms T1193K.
Identifiers: ClinVar variation 4677999 (VCV004677999.1).

ClinVar aggregate classification (germline): Uncertain significance (1 of 4 stars; one submission).

Conditions:
Hereditary cancer-predisposing syndrome. Also called: Neoplastic Syndromes, Hereditary; Tumor predisposition; Hereditary Cancer Syndrome; Hereditary neoplastic syndrome. Identifiers: Orphanet 140162, MedGen C0027672, MeSH D009386, MONDO:0015356.

Submission:

Ambry Genetics
Classification: Uncertain significance for Hereditary cancer-predisposing syndrome. Last evaluated: 2025-10-29. Review status: criteria provided, single submitter. Criteria: Ambry Variant Classification Scheme 2023. Collection method: clinical testing. Allele origin: germline.
Comment: The p.T1193K variant (also known as c.3578C>A), located in coding exon 23 of the RAD50 gene, results from a C to A substitution at nucleotide position 3578. The threonine at codon 1193 is replaced by lysine, an amino acid with similar properties. This amino acid position is conserved. In addition, the in silico prediction for this alteration is inconclusive. Based on the available evidence, the clinical significance of this variant remains unclear.